The following is an entry in ClinVar:

NM_003619.4(PRSS12):c.1501A>T (p.Arg501Ter)

Gene: PRSS12 (serine protease 12; minus strand). Cytogenetic location: 4q26.
Variant type: single nucleotide variant.
Coding change: c.1501A>T on transcript NM_003619.4 (MANE Select); coding-DNA position 1501, A replaced by T.
Protein change: p.Arg501Ter; replaces arginine 501 with a stop codon.
Molecular consequence: nonsense.
Genome position (GRCh38, 1-based): chr4:118,308,566, T>A on the plus strand (A>T on the coding strand, the complement: PRSS12 is on the minus strand). VCF-style: chr4-118308566-T-A. GRCh37 (hg19) VCF-style: chr4-119229721-T-A.
Other names: short protein forms R501*.
Identifiers: ClinVar variation 2502342 (VCV002502342.1), dbSNP rs2530571748, ClinGen allele CA358011933.
Genomic context (GRCh38, chr4:118,308,566, plus strand): 5'-ACTGGCCATTGATAAAAACCTCCACTCGTCCTTCTTTCTTATTTTCTCCATCCATCAGTC[T>A]GACAGGAAAACCTAAGTCATGATTCAAAAGTATTAGAACAGCCCAAACATGCAAACTGAT-3'

ClinVar aggregate classification (germline): no classifications from unflagged records (0 of 4 stars; one submission).

Conditions:
Intellectual developmental disorder, autosomal recessive 1. Also called: MENTAL RETARDATION, AUTOSOMAL RECESSIVE 1; Intellectual disability, autosomal recessive 1. Identifiers: Orphanet 88616, MedGen C1855304, MONDO:0009580, OMIM 249500.

Submission:

Lifecell International Pvt. Ltd
Classification: Likely pathogenic for Intellectual developmental disorder, autosomal recessive 1. Review status: flagged submission. Criteria: ACMG Guidelines, 2015. Collection method: clinical testing. Allele origin: germline. Inheritance: Autosomal recessive inheritance. Affected: yes. Observed: 1 compound heterozygote.
Comment: A Heterozygous Nonsense variant c.1501A>T in Exon 8 of the PRSS12 gene that results in the amino acid substitution p.Arg501* was identified. The observed variant has a minimum allele frequency of 0.00% in gnomAD exomes and genomes, respectively. The severity of the impact of this variant on the protein is high, based on the effect of the protein and REVEL score. Rare Exome Variant Ensemble Learner (REVEL) is an ensembl method for predicting the pathogenicity of missense variants based on a combination of scores from 13 individual tools: MutPred, FATHMM v2.3, VEST 3.0, PolyPhen-2, SIFT, PROVEAN, MutationAssessor, LRT, GERP++, SiPhy, phyloP, and phastCons. The REVEL score for an individual missense variant can range from 0 to 1, with higher scores reflecting greater likelihood that the variant is disease-causing. Similar mutations in the gene have been known to cause intellectual development disorder (Molinari, Florence et al., 2002). Based on the above evidence this variant has been classified as Likely Pathogenic according to the ACMG guidelines.
ClinVar note: Notes: Flagging candidate with reason of insufficient supporting evidence. This gene has been classified as having a limited gene-disease relationship by a ClinGen Expert Panel.
ClinVar note: Reason: Other

Literature cited by the submitters: PubMed 12459588.